The following is an entry in ClinVar:

ClinVar aggregate classification (germline): Benign/Likely benign. Review status: criteria provided, multiple submitters, no conflicts (2 of 4 stars). 29 submissions from 28 submitters: Benign (16); Likely benign (3). 10 of the submissions do not count toward it. Last evaluated 2026-02-04.

Conditions:
Triple-negative breast carcinoma. Identifiers: MedGen C4722518, MONDO:0005494.
Hereditary cancer-predisposing syndrome. Also called: Tumor predisposition; Hereditary neoplastic syndrome; Neoplastic Syndromes, Hereditary; Hereditary Cancer Syndrome. Identifiers: Orphanet 140162, MedGen C0027672, MeSH D009386, MONDO:0015356.
Hereditary breast ovarian cancer syndrome. Also called: Hereditary breast and ovarian cancer syndrome (HBOC); Hereditary breast and ovarian cancer; Hereditary breast and ovarian cancer syndrome; Breast and ovarian cancer; Hereditary breast and/or ovarian cancer syndrome; BRCA1- and BRCA2-Associated Hereditary Breast and Ovarian Cancer. Identifiers: Orphanet 145, MedGen C0677776, MeSH D061325, MONDO:0003582. Disease mechanism: loss of function.
Familial cancer of breast. Also called: Hereditary breast cancer; hereditary breast carcinoma; BREAST CANCER, FAMILIAL. Identifiers: Orphanet 227535, MedGen C0346153, MONDO:0016419, OMIM 114480. Disease mechanism: loss of function.
Ataxia-telangiectasia syndrome (AT). Also called: LOUIS-BAR SYNDROME; Ataxia-telangiectasia; Ataxia telangiectasia (A-T); Cerebello-oculocutaneous telangiectasia; Immunodeficiency with ataxia telangiectasia; Ataxia-telangiectasia, complementation group D. Identifiers: Orphanet 100, MedGen C0004135, MONDO:0008840, OMIM 208900.
Malignant tumor of breast. Also called: Malignant breast neoplasm; Cancer breast. Identifiers: MedGen C0006142, MONDO:0007254. Disease mechanism: loss of function.

Allele frequency attached by ClinVar (database versions not stated): 1000 Genomes Project 30x 0.01296; 1000 Genomes Project 0.01318; gnomAD 0.02129 and 0.02183; TOPMed 0.02139; gnomAD exomes 0.02246 and 0.02839; ExAC 0.02300; ESP Exome Variant Server 0.02462.
gnomAD v4.1: 44,605 of 1,612,812 alleles (2.8%); highest among the groups gnomAD compares: Non-Finnish European, 3.2%; 710 homozygotes.

Submissions (29):

Labcorp Genetics (formerly Invitae), Labcorp
Classification: Benign for Ataxia-telangiectasia syndrome. Last evaluated: 2026-02-04. Review status: criteria provided, single submitter. Criteria: Invitae Variant Classification Sherloc (09022015). Collection method: clinical testing. Allele origin: germline.

Athena Diagnostics
Classification: Benign. Last evaluated: 2025-07-30. Review status: criteria provided, single submitter. Criteria: Athena Diagnostics Criteria. Collection method: clinical testing. Allele origin: unknown.
Comment: The frequency of this variant in the general population is higher than would generally be expected for pathogenic variants in this gene.

ARUP Laboratories, Molecular Genetics and Genomics, ARUP Laboratories
Classification: Benign. Last evaluated: 2025-07-21. Review status: criteria provided, single submitter. Criteria: ARUP Molecular Germline Variant Investigation Process 2024. Collection method: clinical testing. Allele origin: germline.

Center for Genomic Medicine, Rigshospitalet, Copenhagen University Hospital
Classification: Benign. Last evaluated: 2025-03-04. Review status: criteria provided, single submitter. Criteria: ACMG Guidelines, 2015. Collection method: clinical testing. Allele origin: germline.

Mayo Clinic Laboratories, Mayo Clinic
Classification: Benign. Last evaluated: 2024-12-02. Review status: criteria provided, single submitter. Criteria: ACMG Guidelines, 2015. Collection method: clinical testing. Allele origin: germline. Observed: 195 variant alleles.

Blueprint Genetics
Classification: Likely benign. Last evaluated: 2024-11-27. Review status: criteria provided, single submitter. Criteria: ACMG Guidelines, 2015. Collection method: clinical testing. Allele origin: germline.

CeGaT Center for Human Genetics Tuebingen
Classification: Benign. Last evaluated: 2024-11-01. Review status: criteria provided, single submitter. Criteria: CeGaT Center For Human Genetics Tuebingen Variant Classification Criteria Version 2. Collection method: clinical testing. Allele origin: germline. Affected: yes. Observed: 1 variant allele.
Comment: ATM: BP4, BS1, BS2

Myriad Genetics, Inc.
Classification: Benign for Familial cancer of breast. Last evaluated: 2024-05-23. Review status: criteria provided, single submitter. Criteria: Myriad Autosomal Dominant, Autosomal Recessive and X-Linked Classification Criteria (2023). Collection method: clinical testing. Allele origin: unknown.
Comment: This variant is considered benign. This variant is intronic and is not expected to impact mRNA splicing. This variant has been observed at a population frequency that is significantly greater than expected given the associated disease prevalence and penetrance.

KCCC/NGS Laboratory, Kuwait Cancer Control Center
Classification: Benign for Familial cancer of breast. Last evaluated: 2023-07-07. Review status: criteria provided, single submitter. Criteria: ACMG Guidelines, 2015. Collection method: clinical testing. Allele origin: germline. Affected: yes.

National Health Laboratory Service, Universitas Academic Hospital and University of the Free State
Classification: Benign for Hereditary breast ovarian cancer syndrome. Last evaluated: 2022-04-19. Review status: criteria provided, single submitter. Criteria: ACMG Guidelines, 2015. Collection method: clinical testing. Allele origin: germline. Affected: yes. Observed: 1 variant allele.

Genome-Nilou Lab
Classification: Benign for Ataxia-telangiectasia syndrome. Last evaluated: 2021-07-01. Review status: criteria provided, single submitter. Criteria: ACMG Guidelines, 2015. Collection method: clinical testing. Allele origin: germline. Affected: no.

Illumina Laboratory Services, Illumina
Classification: Benign for Ataxia-telangiectasia syndrome. Last evaluated: 2018-03-08. Review status: criteria provided, single submitter. Criteria: ICSL Variant Classification Criteria 13 December 2019. Collection method: clinical testing. Allele origin: germline.
Comment: This variant was observed as part of a predisposition screen in an ostensibly healthy population. A literature search was performed for the gene, cDNA change, and amino acid change (where applicable). Publications were found based on this search. The evidence from the literature, in combination with allele frequency data from public databases where available, was sufficient to rule this variant out of causing disease. Therefore, this variant is classified as benign.

Vantari Genetics
Classification: Benign for Hereditary cancer-predisposing syndrome. Last evaluated: 2015-10-23. Review status: criteria provided, single submitter. Criteria: ACMG Guidelines, 2015. Collection method: clinical testing. Allele origin: germline.

Color Diagnostics, LLC DBA Color Health
Classification: Benign for Hereditary cancer-predisposing syndrome. Last evaluated: 2015-04-02. Review status: criteria provided, single submitter. Criteria: ACMG Guidelines, 2015. Collection method: clinical testing. Allele origin: germline.

GeneDx
Classification: Benign. Last evaluated: 2015-03-03. Review status: criteria provided, single submitter. Criteria: GeneDx Variant Classification Process June 2021. Collection method: clinical testing. Allele origin: germline. Affected: yes.

Genome Diagnostics Laboratory, University Medical Center Utrecht
Classification: Likely benign for Ataxia-telangiectasia syndrome. Last evaluated: 2014-10-09. Review status: criteria provided, single submitter. Criteria: ACGS Guidelines, 2013. Collection method: clinical testing. Allele origin: germline. Affected: yes. Study: VKGL Data-share Consensus.

Ambry Genetics
Classification: Benign for Hereditary cancer-predisposing syndrome. Last evaluated: 2013-05-29. Review status: criteria provided, single submitter. Criteria: Ambry Autosomal Dominant and X-Linked criteria (10/2015). Collection method: clinical testing. Allele origin: germline. Observed: 1 variant allele.

Breakthrough Genomics
Classification: Likely benign. Review status: criteria provided, single submitter. Criteria: ACMG Guidelines, 2015. Collection method: not provided. Allele origin: germline. Inheritance: Autosomal recessive inheritance. Affected: yes.

PreventionGenetics, part of Exact Sciences
Classification: Benign. Review status: criteria provided, single submitter. Criteria: ACMG Guidelines, 2015. Collection method: clinical testing. Allele origin: germline.

Natera, Inc.
Classification: Benign for Ataxia-telangiectasia. Last evaluated: 2020-09-16. Review status: no assertion criteria provided. Collection method: clinical testing. Allele origin: germline. Not counted in ClinVar's aggregate classification.

True Health Diagnostics
Classification: Likely benign for Hereditary cancer-predisposing syndrome. Last evaluated: 2018-01-12. Review status: no assertion criteria provided. Collection method: clinical testing. Allele origin: germline. Not counted in ClinVar's aggregate classification.

Genome Diagnostics Laboratory, Amsterdam University Medical Center
Classification: Benign for Ataxia-telangiectasia syndrome. Last evaluated: 2015-11-22. Review status: no assertion criteria provided. Criteria: ACGS Guidelines, 2013. Collection method: clinical testing. Allele origin: germline. Affected: yes. Study: VKGL Data-share Consensus. Not counted in ClinVar's aggregate classification.

Clinical Genetics DNA and cytogenetics Diagnostics Lab, Erasmus MC, Erasmus Medical Center
Classification: Benign. Review status: no assertion criteria provided. Collection method: clinical testing. Allele origin: germline. Affected: yes. Study: VKGL Data-share Consensus. Not counted in ClinVar's aggregate classification.

Clinical Genetics Laboratory, Department of Pathology, Netherlands Cancer Institute
Classification: Benign. Review status: no assertion criteria provided. Collection method: clinical testing. Allele origin: germline. Affected: yes. Study: VKGL Data-share Consensus. Not counted in ClinVar's aggregate classification.

Clinical Genetics, Academic Medical Center
Classification: Benign. Review status: no assertion criteria provided. Collection method: clinical testing. Allele origin: germline. Affected: yes. Study: VKGL Data-share Consensus. Not counted in ClinVar's aggregate classification.

Department of Pathology and Laboratory Medicine, Sinai Health System
Classification: Benign for Malignant tumor of breast. Review status: no assertion criteria provided. Collection method: clinical testing. Allele origin: unknown. Affected: yes. Study: The Canadian Open Genetics Repository (COGR). Not counted in ClinVar's aggregate classification.
Comment: The ATM c.5497-8T>C variant was identified in 37 of 1416 proband chromosomes (frequency: 0.026) from individuals or families with breast cancer (Concannon 2008, Paglia 2010). The variant was also identified in dbSNP (ID: rs3092829) as â€šÃ„ÃºWith Benign alleleâ€šÃ„Ã¹, ClinVar (5x, as benign by Invitae, Ambry Genetics, Vantari, PreventionGenetics, Color Genomics), Clinvitae (3x, as benign), Cosmic (4x, in ovary carcinoma, and soft tissue Haemangioblastoma), LOVD 3.0 (1x with "does not affect function"), databases. The variant was not identified in GeneInsight-COGR, MutDB and ATM-LOVD, databases. The variant was identified in control databases in 6238 (94 homozygous) of 276468 chromosomes at a frequency of 0.0225 increasing the likelihood this could be a benign variant (Genome Aggregation Consortium Feb 27, 2017). The variant was identified in the following populations at a frequency greater than 1%: European (Non-Finnish) in 4209 (69 homozygous) of 126224 chromosomes (freq: 0.033), other in 181 (3 homozygous) of 6446 chromosomes (freq: 0.028), European (Finnish) in 650 (10 homozygous) of 25722 chromosomes (freq: 0.025), Ashkenazi Jewish* in 236 (4 homozygous) of 10138 chromosomes (freq: 0.023), Latino in 631 (7 homozygous) of 34354 chromosomes (freq: 0.018). The c.5497-8T>C variant is located in the 3' splice region but does not affect the invariant -1 and -2 positions. However, positions -3 and -5 to -12 are part of the splicing consensus sequence and variants involving these positions sometimes affect splicing. However, in silico or computational prediction software programs (SpliceSiteFinder, MaxEntScan, NNSPLICE, GeneSplicer, HumanSpliceFinder) do not predict a difference in splicing. In summary, based on the above information this variant meets our laboratory's criteria to be classified as benign.

Department of Pathology and Laboratory Medicine, Sinai Health System
Classification: Benign for Triple-negative breast carcinoma. Review status: no assertion criteria provided. Collection method: clinical testing. Allele origin: unknown. Affected: yes. Study: The Canadian Open Genetics Repository (COGR). Not counted in ClinVar's aggregate classification.
Comment: the same text as in the submission from Department of Pathology and Laboratory Medicine, Sinai Health System above.

Joint Genome Diagnostic Labs from Nijmegen and Maastricht, Radboudumc and MUMC+
Classification: Benign. Review status: no assertion criteria provided. Collection method: clinical testing. Allele origin: germline. Affected: yes. Study: VKGL Data-share Consensus. Not counted in ClinVar's aggregate classification.

Laboratory of Diagnostic Genome Analysis, Leiden University Medical Center (LUMC)
Classification: Benign. Review status: no assertion criteria provided. Collection method: clinical testing. Allele origin: germline. Affected: yes. Study: VKGL Data-share Consensus. Not counted in ClinVar's aggregate classification.

Literature cited by the submitters: PubMed 18701470 (cited by Athena Diagnostics); PubMed 19404735 (cited by Athena Diagnostics); PubMed 19347964 (cited by Athena Diagnostics); PubMed 18384426 (cited by Athena Diagnostics); PubMed 22529920 (cited by Illumina Laboratory Services, Illumina).

NM_000051.4(ATM):c.5497-8T>C

Gene: ATM (ATM serine/threonine kinase; plus strand). Cytogenetic location: 11q22.3.
Variant type: single nucleotide variant.
Coding change: c.5497-8T>C on transcript NM_000051.4 (MANE Select); 8 bases into the intron before coding-DNA position 5497, T replaced by C.
Molecular consequence: intron variant.
Genome position (GRCh38, 1-based): chr11:108,304,667, T>C. VCF-style: chr11-108304667-T-C. GRCh37 (hg19) VCF-style: chr11-108175394-T-C.
Other names: p.?; c.5497-8T>C (NM_001351834.2).
Identifiers: ClinVar variation 132706 (VCV000132706.70), dbSNP rs3092829, ClinGen allele CA163537.